The following is an entry in ClinVar:

ClinVar aggregate classification (germline): Uncertain significance (1 of 4 stars; one submission).

Conditions:
Cystic fibrosis (CF). Also called: MUCOVISCIDOSIS. Identifiers: Orphanet 586, MedGen C0010674, MONDO:0009061, OMIM 219700. Disease mechanism: loss of function.

Allele frequency attached by ClinVar (database versions not stated): TOPMed below 0.00001.

Submission:

Ambry Genetics
Classification: Uncertain significance for Cystic fibrosis. Last evaluated: 2023-08-26. Review status: criteria provided, single submitter. Criteria: Ambry Variant Classification Scheme 2023. Collection method: clinical testing. Allele origin: germline.
Comment: The p.S654R variant (also known as c.1962T>G), located in coding exon 14 of the CFTR gene, results from a T to G substitution at nucleotide position 1962. The serine at codon 654 is replaced by arginine, an amino acid with dissimilar properties. This amino acid position is conserved. In addition, the in silico prediction for this alteration is inconclusive. Since supporting evidence is limited at this time, the clinical significance of this alteration remains unclear.

NM_000492.4(CFTR):c.1962T>G (p.Ser654Arg)

Gene: CFTR (CF transmembrane conductance regulator; plus strand). Cytogenetic location: 7q31.2.
Variant type: single nucleotide variant.
Coding change: c.1962T>G on transcript NM_000492.4 (MANE Select); coding-DNA position 1962, T replaced by G.
Protein change: p.Ser654Arg; replaces serine 654 with arginine.
Molecular consequence: missense variant.
Genome position (GRCh38, 1-based): chr7:117,592,129, T>G. VCF-style: chr7-117592129-T-G. GRCh37 (hg19) VCF-style: chr7-117232183-T-G.
Other names: short protein forms S654R.
Identifiers: ClinVar variation 2587614 (VCV002587614.2), dbSNP rs1792036042, ClinGen allele CA368979019.
Genomic context (GRCh38, chr7:117,592,129, plus strand): 5'-AAATCTACAGCCAGACTTTAGCTCAAAACTCATGGGATGTGATTCTTTCGACCAATTTAG[T>G]GCAGAAAGAAGAAATTCAATCCTAACTGAGACCTTACACCGTTTCTCATTAGAAGGAGAT-3'
Protein context (NP_000483.3, residues 644-664): LMGCDSFDQF[Ser654Arg]AERRNSILTE